The following is an entry in ClinVar:

ClinVar aggregate classification (germline): Conflicting classifications of pathogenicity. Review status: criteria provided, conflicting classifications (1 of 4 stars). 4 submissions from 4 submitters: Uncertain significance (1); Likely benign (1). 2 of the submissions do not count toward it. Last evaluated 2024-11-27.

Conditions:
Optic atrophy. Identifiers: MedGen C0029124, MONDO:0003608, HP:0000648.
RP1L1-related disorder. Also called: RP1L1-related condition.

Allele frequency attached by ClinVar (database versions not stated): gnomAD exomes 0.00012; ExAC 0.00035; TOPMed 0.00124; gnomAD 0.00131; ESP Exome Variant Server 0.00138; 1000 Genomes Project 0.00140; 1000 Genomes Project 30x 0.00172.
gnomAD v4.1: 378 of 1,604,252 alleles (0.024%); highest among the groups gnomAD compares: African/African-American, 0.46%; no homozygotes.

Submissions (4):

Blueprint Genetics
Classification: Likely benign. Last evaluated: 2024-11-27. Review status: criteria provided, single submitter. Criteria: ACMG Guidelines, 2015. Collection method: clinical testing. Allele origin: germline.

GeneDx
Classification: Uncertain significance. Last evaluated: 2024-03-10. Review status: criteria provided, single submitter. Criteria: GeneDx Variant Classification Process June 2021. Collection method: clinical testing. Allele origin: germline.
Comment: Has not been previously published as pathogenic or benign to our knowledge; In silico analysis supports that this missense variant does not alter protein structure/function

Institute of Human Genetics, Univ. Regensburg, Univ. Regensburg
Classification: Uncertain significance for Optic atrophy. Last evaluated: 2022-01-01. Review status: no assertion criteria provided. Criteria: ACMG Guidelines, 2015. Collection method: clinical testing. Allele origin: germline. Affected: yes. Not counted in ClinVar's aggregate classification.

PreventionGenetics, part of Exact Sciences
Classification: Benign for RP1L1-related condition. Last evaluated: 2019-07-15. Review status: no assertion criteria provided. Collection method: clinical testing. Allele origin: germline. Not counted in ClinVar's aggregate classification.
Comment: This variant is classified as benign based on ACMG/AMP sequence variant interpretation guidelines (Richards et al. 2015 PMID: 25741868, with internal and published modifications).

NM_178857.6(RP1L1):c.803C>A (p.Pro268Gln)

Gene: RP1L1 (RP1 like 1). Cytogenetic location: 8p23.1.
Variant type: single nucleotide variant.
Coding change: c.803C>A on transcript NM_178857.6 (MANE Select); coding-DNA position 803, C replaced by A.
Protein change: p.Pro268Gln; replaces proline 268 with glutamine.
Molecular consequence: missense variant.
Genome position (GRCh38, 1-based): chr8:10,613,295, G>T on the plus strand (C>A on the coding strand, the complement: RP1L1 is on the minus strand). VCF-style: chr8-10613295-G-T. GRCh37 (hg19) VCF-style: chr8-10470805-G-T.
Other names: short protein forms P268Q.
Identifiers: ClinVar variation 2500520 (VCV002500520.5), dbSNP rs185982544, ClinGen allele CA4625445.